The following is an entry in ClinVar:

ClinVar aggregate classification (germline): Benign/Likely benign. Review status: criteria provided, multiple submitters, no conflicts (2 of 4 stars). 5 submissions from 5 submitters: Benign (1); Likely benign (4). Last evaluated 2026-07-01.

Conditions:
Inborn genetic diseases. Identifiers: MedGen C0950123, MeSH D030342.

Allele frequency attached by ClinVar (database versions not stated): 1000 Genomes Project 30x 0.00156; 1000 Genomes Project 0.00160; TOPMed 0.00244; ESP Exome Variant Server 0.00292; gnomAD exomes 0.00371 and 0.00211; ExAC 0.00227; gnomAD 0.00231 and 0.00244.
gnomAD v4.1: 5,677 of 1,608,822 alleles (0.35%); highest among the groups gnomAD compares: Non-Finnish European, 0.45%; 10 homozygotes.

Submissions (5):

CeGaT Center for Human Genetics Tuebingen
Classification: Likely benign. Last evaluated: 2026-07-01. Review status: criteria provided, single submitter. Criteria: CeGaT Center For Human Genetics Tuebingen Variant Classification Criteria Version 2. Collection method: clinical testing. Allele origin: germline. Affected: yes. Observed: 14 variant alleles.
Comment: LINS1: BP4, BP7

Blueprint Genetics
Classification: Likely benign. Last evaluated: 2024-11-19. Review status: criteria provided, single submitter. Criteria: ACMG Guidelines, 2015. Collection method: clinical testing. Allele origin: germline.

Labcorp Genetics (formerly Invitae), Labcorp
Classification: Benign. Last evaluated: 2019-12-31. Review status: criteria provided, single submitter. Criteria: Invitae Variant Classification Sherloc (09022015). Collection method: clinical testing. Allele origin: germline.

Ambry Genetics
Classification: Likely benign for Inborn genetic diseases. Last evaluated: 2016-07-06. Review status: criteria provided, single submitter. Criteria: Ambry Variant Classification Scheme 2023. Collection method: clinical testing. Allele origin: germline.

Genetic Services Laboratory, University of Chicago
Classification: Likely benign. Last evaluated: 2016-03-14. Review status: criteria provided, single submitter. Criteria: ACMG Guidelines, 2015. Collection method: clinical testing. Allele origin: germline. Affected: no.

NM_001040616.3(LINS1):c.1194A>G (p.Gln398=)

Gene: LINS1 (lines homolog 1; minus strand). Cytogenetic location: 15q26.3.
Variant type: single nucleotide variant.
Coding change: c.1194A>G on transcript NM_001040616.3 (MANE Select); coding-DNA position 1194, A replaced by G.
Protein change: p.Gln398=; no amino-acid change (glutamine 398 retained).
Molecular consequence: synonymous variant. On other transcripts: non-coding transcript variant (3).
Genome position (GRCh38, 1-based): chr15:100,573,679, T>C on the plus strand (A>G on the coding strand, the complement: LINS1 is on the minus strand). VCF-style: chr15-100573679-T-C. GRCh37 (hg19) VCF-style: chr15-101113884-T-C.
Other names: c.447A>G, p.Gln149= (NM_001352507.2); c.1149A>G, p.Gln383= (NM_001352508.2).
Identifiers: ClinVar variation 211378 (VCV000211378.47), dbSNP rs138347314, ClinGen allele CA208460.